The following is an entry in ClinVar:

NC_000023.10:g.(?_77166189)_(77305893_?)dup

Genes: ATP7A (ATPase copper transporting alpha; plus strand), PGAM4 (phosphoglycerate mutase family member 4; minus strand). Cytogenetic location: Xq21.1.
Variant type: Duplication.
Identifiers: ClinVar variation 4687247 (VCV004687247.1).

ClinVar aggregate classification (germline): Uncertain significance (1 of 4 stars; one submission).

Submission:

Women's Health and Genetics/Laboratory Corporation of America, LabCorp
Classification: Uncertain significance. Last evaluated: 2025-10-16. Review status: criteria provided, single submitter. Criteria: LabCorp Variant Classification Summary - May 2015. Collection method: clinical testing. Allele origin: germline.
Comment: Variant summary: The variant involves the duplication of exons 1-23 in the ATP7A gene. This duplication includes the entire coding sequence of the gene. As exact breakpoints are unknown, it may extend beyond the annotated region of the gene, to include other flanking genes. A presumed nomenclature of c.(?_-165)_(*3826_?)dup has been designated for the purposes of this classification. The variant was absent in 16120 control chromosomes. The available data on variant occurrences in the general population are insufficient to allow any conclusion about variant significance. To our knowledge, no occurrence of c.(?_-165)_(*3826_?)dup in individuals affected with ATP7A-related conditions and no experimental evidence demonstrating its impact on protein function have been reported. No submitters have cited clinical-significance assessments for this variant to ClinVar. Based on the evidence outlined above, the variant was classified as uncertain significance.